The following is an entry in ClinVar:

ClinVar aggregate classification (germline): Uncertain significance. Review status: criteria provided, multiple submitters, no conflicts (2 of 4 stars). 3 submissions from 3 submitters: Uncertain significance (3). Last evaluated 2026-01-06.

Conditions:
Cardiovascular phenotype. Identifiers: MedGen CN230736.
ANKRD1-related disorder. Also called: ANKRD1-related condition.
ANKRD1-related dilated cardiomyopathy. Identifiers: MedGen CN119551.

Allele frequency attached by ClinVar (database versions not stated): gnomAD exomes below 0.00001; TOPMed 0.00001.
gnomAD v4.1: 3 of 1,614,114 alleles (0.00019%); highest among the groups gnomAD compares: African/African-American, 0.0027%; no homozygotes.

Submissions (3):

Labcorp Genetics (formerly Invitae), Labcorp
Classification: Uncertain significance for ANKRD1-related dilated cardiomyopathy. Last evaluated: 2026-01-06. Review status: criteria provided, single submitter. Criteria: Invitae Variant Classification Sherloc (09022015). Collection method: clinical testing. Allele origin: germline.
Comment: This sequence change replaces asparagine, which is neutral and polar, with aspartic acid, which is acidic and polar, at codon 297 of the ANKRD1 protein (p.Asn297Asp). This variant is present in population databases (no rsID available, gnomAD 0.007%). This variant has not been reported in the literature in individuals affected with ANKRD1-related conditions. ClinVar contains an entry for this variant (Variation ID: 1765014). Invitae Evidence Modeling of protein sequence and biophysical properties (such as structural, functional, and spatial information, amino acid conservation, physicochemical variation, residue mobility, and thermodynamic stability) indicates that this missense variant is not expected to disrupt ANKRD1 protein function with a negative predictive value of 80%. In summary, the available evidence is currently insufficient to determine the role of this variant in disease. Therefore, it has been classified as a Variant of Uncertain Significance.

Ambry Genetics
Classification: Uncertain significance for Cardiovascular phenotype. Last evaluated: 2025-11-26. Review status: criteria provided, single submitter. Criteria: Ambry Variant Classification Scheme 2023. Collection method: clinical testing. Allele origin: germline.

PreventionGenetics, part of Exact Sciences
Classification: Uncertain significance for ANKRD1-related condition. Last evaluated: 2023-07-07. Review status: criteria provided, single submitter. Criteria: ACMG Guidelines, 2015. Collection method: clinical testing. Allele origin: germline.
Comment: The ANKRD1 c.889A>G variant is predicted to result in the amino acid substitution p.Asn297Asp. To our knowledge, this variant has not been reported in the literature. This variant is reported in 0.0062% of alleles in individuals of African descent in gnomAD. At this time, the clinical significance of this variant is uncertain due to the absence of conclusive functional and genetic evidence.

NM_014391.3(ANKRD1):c.889A>G (p.Asn297Asp)

Gene: ANKRD1 (ankyrin repeat domain 1; minus strand). Cytogenetic location: 10q23.31.
Variant type: single nucleotide variant.
Coding change: c.889A>G on transcript NM_014391.3 (MANE Select); coding-DNA position 889, A replaced by G.
Protein change: p.Asn297Asp; replaces asparagine 297 with aspartic acid.
Molecular consequence: missense variant.
Genome position (GRCh38, 1-based): chr10:90,912,937, T>C on the plus strand (A>G on the coding strand, the complement: ANKRD1 is on the minus strand). VCF-style: chr10-90912937-T-C. GRCh37 (hg19) VCF-style: chr10-92672694-T-C.
Other names: short protein forms N297D.
Identifiers: ClinVar variation 1765014 (VCV001765014.9), dbSNP rs867948483, ClinGen allele CA211419135.